The following is an entry in ClinVar:

ClinVar aggregate classification (germline): Likely benign. Review status: criteria provided, multiple submitters, no conflicts (2 of 4 stars). 3 submissions from 3 submitters: Likely benign (3). Last evaluated 2024-07-01.

Conditions:
Epidermolysis bullosa simplex, Ogna type (EBS5A). Also called: Pidermolysis bullosa simplex 5A, Ogna type; EPIDERMOLYSIS BULLOSA SIMPLEX 5A, OGNA TYPE. Identifiers: Orphanet 79401, MedGen C0432317, MONDO:0007555, OMIM 131950.
Epidermolysis bullosa simplex 5C, with pyloric atresia (EBS5C). Also called: PLEC-Related Epidermolysis Bullosa with Pyloric Atresia; Epidermolysis bullosa simplex with pyloric atresia; PLEC1-Related Epidermolysis Bullosa with Pyloric Atresia. Identifiers: Orphanet 158684, MedGen C2677349, MONDO:0012807, OMIM 612138.
Autosomal recessive limb-girdle muscular dystrophy type 2Q (LGMDR17). Also called: MUSCULAR DYSTROPHY, LIMB-GIRDLE, AUTOSOMAL RECESSIVE 17. Identifiers: Orphanet 254361, MedGen C3150989, MONDO:0013390, OMIM 613723.
Epidermolysis bullosa simplex with nail dystrophy (EBS5D). Identifiers: MedGen C4225309, MONDO:0014661, OMIM 616487.
Epidermolysis bullosa simplex 5B, with muscular dystrophy (EBS5B). Also called: EPIDERMOLYSIS BULLOSA SIMPLEX AND LIMB-GIRDLE MUSCULAR DYSTROPHY; Epidermolysis bullosa simplex with muscular dystrophy. Identifiers: Orphanet 257, MedGen C2931072, MONDO:0009181, OMIM 226670.

Allele frequency attached by ClinVar (database versions not stated): TOPMed 0.00001; ExAC 0.00002; gnomAD exomes 0.00002.
gnomAD v4.1: 28 of 1,608,082 alleles (0.0017%); highest among the groups gnomAD compares: South Asian, 0.03%; 1 homozygote.

Submissions (3):

CeGaT Center for Human Genetics Tuebingen
Classification: Likely benign. Last evaluated: 2024-07-01. Review status: criteria provided, single submitter. Criteria: CeGaT Center For Human Genetics Tuebingen Variant Classification Criteria Version 2. Collection method: clinical testing. Allele origin: germline. Affected: yes. Observed: 1 variant allele.
Comment: PLEC: BP4, BP7

Blueprint Genetics
Classification: Likely benign. Last evaluated: 2022-10-14. Review status: criteria provided, single submitter. Criteria: ACMG Guidelines, 2015. Collection method: clinical testing. Allele origin: germline.

Labcorp Genetics (formerly Invitae), Labcorp
Classification: Likely benign for Autosomal recessive limb-girdle muscular dystrophy type 2Q; Epidermolysis bullosa simplex, Ogna type; Epidermolysis bullosa simplex with nail dystrophy; Epidermolysis bullosa simplex 5C, with pyloric atresia; Epidermolysis bullosa simplex 5B, with muscular dystrophy. Last evaluated: 2022-02-18. Review status: criteria provided, single submitter. Criteria: Invitae Variant Classification Sherloc (09022015). Collection method: clinical testing. Allele origin: germline.

NM_201384.3(PLEC):c.6846G>A (p.Arg2282=)

Gene: PLEC (plectin; minus strand). Cytogenetic location: 8q24.3.
Variant type: single nucleotide variant.
Coding change: c.6846G>A on transcript NM_201384.3 (MANE Select); coding-DNA position 6846, G replaced by A.
Protein change: p.Arg2282=; no amino-acid change (arginine 2282 retained).
Molecular consequence: synonymous variant. On other transcripts: intron variant (1).
Genome position (GRCh38, 1-based): chr8:143,923,083, C>T on the plus strand (G>A on the coding strand, the complement: PLEC is on the minus strand). VCF-style: chr8-143923083-C-T. GRCh37 (hg19) VCF-style: chr8-144997251-C-T.
Other names: c.6927G>A, p.Arg2309= (NM_000445.5); c.6804G>A, p.Arg2268= (NM_201378.4); c.6780G>A, p.Arg2260= (NM_201379.3); c.7257G>A, p.Arg2419= (NM_201380.4); c.6750G>A, p.Arg2250= (NM_201381.3); c.6846G>A, p.Arg2282= (NM_201382.4); c.6858G>A, p.Arg2286= (NM_201383.3); c.4126-688G>A (NM_001410941.1).
Identifiers: ClinVar variation 2043261 (VCV002043261.22), dbSNP rs782200893, ClinGen allele CA4925829.